The following is an entry in ClinVar:

NM_182914.3(SYNE2):c.17713-9C>T

Gene: SYNE2 (spectrin repeat containing nuclear envelope protein 2; plus strand). Cytogenetic location: 14q23.2.
Variant type: single nucleotide variant.
Coding change: c.17713-9C>T on transcript NM_182914.3 (MANE Select); 9 bases into the intron before coding-DNA position 17713, C replaced by T.
Molecular consequence: intron variant.
Genome position (GRCh38, 1-based): chr14:64,188,541, C>T. VCF-style: chr14-64188541-C-T. GRCh37 (hg19) VCF-style: chr14-64655259-C-T.
Other names: c.17713-9C>T (NM_015180.6).
Identifiers: ClinVar variation 1702667 (VCV001702667.2), dbSNP rs2139569792, ClinGen allele CA2580088326.

ClinVar aggregate classification (germline): Likely benign (1 of 4 stars; one submission).

Submission:

GeneDx
Classification: Likely benign. Last evaluated: 2019-07-22. Review status: criteria provided, single submitter. Criteria: GeneDx Variant Classification Process June 2021. Collection method: clinical testing. Allele origin: germline. Affected: yes.
Comment: See Variant Classification Assertion Criteria.